The following is an entry in ClinVar:

ClinVar aggregate classification (germline): Uncertain significance (1 of 4 stars; one submission).

Allele frequency attached by ClinVar (database versions not stated): ExAC 0.00001; gnomAD 0.00001; gnomAD exomes 0.00001; TOPMed 0.00001; ESP Exome Variant Server 0.00008.
gnomAD v4.1: 16 of 1,613,802 alleles (0.00099%); highest among the groups gnomAD compares: East Asian, 0.0022%; no homozygotes.

Submission:

Labcorp Genetics (formerly Invitae), Labcorp
Classification: Uncertain significance. Last evaluated: 2022-10-30. Review status: criteria provided, single submitter. Criteria: Invitae Variant Classification Sherloc (09022015). Collection method: clinical testing. Allele origin: germline.
Comment: This variant is present in population databases (rs142084310, gnomAD 0.0009%). This sequence change replaces valine, which is neutral and non-polar, with isoleucine, which is neutral and non-polar, at codon 141 of the RNASEH1 protein (p.Val141Ile). In summary, the available evidence is currently insufficient to determine the role of this variant in disease. Therefore, it has been classified as a Variant of Uncertain Significance. Advanced modeling of protein sequence and biophysical properties (such as structural, functional, and spatial information, amino acid conservation, physicochemical variation, residue mobility, and thermodynamic stability) performed at Invitae indicates that this missense variant is not expected to disrupt RNASEH1 protein function. This variant has not been reported in the literature in individuals affected with RNASEH1-related conditions.

NM_002936.6(RNASEH1):c.421G>A (p.Val141Ile)

Gene: RNASEH1 (ribonuclease H1; minus strand). Cytogenetic location: 2p25.3.
Variant type: single nucleotide variant.
Coding change: c.421G>A on transcript NM_002936.6 (MANE Select); coding-DNA position 421, G replaced by A.
Protein change: p.Val141Ile; replaces valine 141 with isoleucine.
Molecular consequence: missense variant. On other transcripts: non-coding transcript variant (7).
Genome position (GRCh38, 1-based): chr2:3,550,461, C>T on the plus strand (G>A on the coding strand, the complement: RNASEH1 is on the minus strand). VCF-style: chr2-3550461-C-T. GRCh37 (hg19) VCF-style: chr2-3598051-C-T.
Other names: c.343G>A, p.Val115Ile (NM_001286834.3); c.70G>A, p.Val24Ile (NM_001286837.3); c.421G>A, p.Val141Ile (NM_001378271.1, NM_001378273.1); c.418G>A, p.Val140Ile (NM_001378272.1); short protein forms V115I, V141I, V140I, V24I.
Identifiers: ClinVar variation 2960754 (VCV002960754.3), dbSNP rs142084310, ClinGen allele CA1516265.
Genomic context (GRCh38, chr2:3,550,461, plus strand): 5'-CGATTCCTGCTCGCGGCCTTCTACGCCCATTACTGGAGCAGCAGCCATCAGTGTAGACGA[C>T]GACGAAGTCTCCTGTGGGAAAAGGAAGTACATGCTGCTGGGCTGACCTTACTAAAAACTG-3'
Protein context (NP_002927.2, residues 131-151): DTFSYMGDFV[Val141Ile]VYTDGCCSSN